The following is an entry in ClinVar:

ClinVar aggregate classification (germline): Uncertain significance. Review status: criteria provided, multiple submitters, no conflicts (2 of 4 stars). 3 submissions from 3 submitters: Uncertain significance (3). Last evaluated 2023-09-06.

Conditions:
Hereditary cancer-predisposing syndrome. Also called: Tumor predisposition; Hereditary neoplastic syndrome; Hereditary Cancer Syndrome; Neoplastic Syndromes, Hereditary. Identifiers: Orphanet 140162, MedGen C0027672, MeSH D009386, MONDO:0015356.
Familial cancer of breast. Also called: hereditary breast carcinoma; Hereditary breast cancer; BREAST CANCER, FAMILIAL. Identifiers: Orphanet 227535, MedGen C0346153, MONDO:0016419, OMIM 114480. Disease mechanism: loss of function.

Submissions (3):

Ambry Genetics
Classification: Uncertain significance for Hereditary cancer-predisposing syndrome. Last evaluated: 2023-09-06. Review status: criteria provided, single submitter. Criteria: Ambry Variant Classification Scheme 2023. Collection method: clinical testing. Allele origin: germline.
Comment: The c.1810+5G>A intronic variant results from a G to A substitution 5 nucleotides after coding exon 8 in the BARD1 gene. This nucleotide position is well conserved in available vertebrate species. In silico splice site analysis predicts that this alteration may weaken the native splice donor site; however, direct evidence is insufficient at this time (Ambry internal data). Since supporting evidence is limited at this time, the clinical significance of this alteration remains unclear.

Color Diagnostics, LLC DBA Color Health
Classification: Uncertain significance for Hereditary cancer-predisposing syndrome. Last evaluated: 2020-12-02. Review status: criteria provided, single submitter. Criteria: ACMG Guidelines, 2015. Collection method: clinical testing. Allele origin: germline.
Comment: This variant causes a G to A nucleotide substitution at the +5 position of intron 8 of the BARD1 gene. Splice site prediction tools predict that this variant may have a significant impact on RNA splicing. However, this prediction has not been confirmed in published RNA studies. To our knowledge, this variant has not been reported in individuals affected with hereditary cancer in the literature. This variant has not been identified in the general population by the Genome Aggregation Database (gnomAD). The available evidence is insufficient to determine the role of this variant in disease conclusively. Therefore, this variant is classified as a Variant of Uncertain Significance.

Labcorp Genetics (formerly Invitae), Labcorp
Classification: Uncertain significance for Familial cancer of breast. Last evaluated: 2020-11-11. Review status: criteria provided, single submitter. Criteria: Invitae Variant Classification Sherloc (09022015). Collection method: clinical testing. Allele origin: germline.
Comment: This sequence change falls in intron 8 of the BARD1 gene. It does not directly change the encoded amino acid sequence of the BARD1 protein. It affects a nucleotide within the consensus splice site of the intron. This variant is not present in population databases (ExAC no frequency). This variant has not been reported in the literature in individuals with BARD1-related conditions. Nucleotide substitutions within the consensus splice site are a relatively common cause of aberrant splicing (PMID: 17576681, 9536098). Algorithms developed to predict the effect of sequence changes on RNA splicing suggest that this variant may disrupt the consensus splice site, but this prediction has not been confirmed by published transcriptional studies. In summary, the available evidence is currently insufficient to determine the role of this variant in disease. Therefore, it has been classified as a Variant of Uncertain Significance.

Literature cited by the submitters: PubMed 17576681 (cited by Labcorp Genetics (formerly Invitae), Labcorp); PubMed 9536098 (cited by Labcorp Genetics (formerly Invitae), Labcorp).

NM_000465.4(BARD1):c.1810+5G>A

Gene: BARD1 (BRCA1 associated RING domain 1; minus strand). Cytogenetic location: 2q35.
Variant type: single nucleotide variant.
Coding change: c.1810+5G>A on transcript NM_000465.4 (MANE Select); 5 bases into the intron after coding-DNA position 1810, G replaced by A.
Molecular consequence: intron variant.
Genome position (GRCh38, 1-based): chr2:214,745,717, C>T on the plus strand (G>A on the coding strand, the complement: BARD1 is on the minus strand). VCF-style: chr2-214745717-C-T. GRCh37 (hg19) VCF-style: chr2-215610441-C-T.
Other names: c.400+5G>A (NM_001282548.2); c.1753+5G>A (NM_001282543.2); c.457+5G>A (NM_001282545.2); c.365-15209G>A (NM_001282549.2); c.1810+5G>A (NM_000465.2).
Identifiers: ClinVar variation 1171615 (VCV001171615.10), dbSNP rs2106020514, ClinGen allele CA2499215613.